The following is an entry in ClinVar:

NM_020975.6(RET):c.660C>A (p.Ser220Arg)

Gene: RET (ret proto-oncogene; plus strand). Cytogenetic location: 10q11.21.
Variant type: single nucleotide variant.
Coding change: c.660C>A on transcript NM_020975.6 (MANE Select); coding-DNA position 660, C replaced by A.
Protein change: p.Ser220Arg; replaces serine 220 with arginine.
Molecular consequence: missense variant. On other transcripts: intron variant (22), 5 prime UTR variant (1).
Genome position (GRCh38, 1-based): chr10:43,104,986, C>A. VCF-style: chr10-43104986-C-A. GRCh37 (hg19) VCF-style: chr10-43600434-C-A.
Other names: c.660C>A, p.Ser220Arg (NM_001406772.1, NM_020630.7, NM_001406763.1 and 6 more transcripts); c.531C>A, p.Ser177Arg (NM_001406774.1, NM_001406761.1, NM_001406762.1 and 2 more transcripts); c.625+2357C>A (NM_001406773.1, NM_001406771.1, NM_001406782.1 and 5 more transcripts); c.74-4045C>A (NM_001406784.1); c.74-7113C>A (NM_001406794.1, NM_001406792.1, NM_001406793.1); c.372C>A, p.Ser124Arg (NM_001406766.1, NM_001406767.1, NM_001406770.1); c.-103C>A (NM_001355216.2); c.496+2357C>A (NM_001406786.1, NM_001406783.1); and 2 more; short protein forms S124R, S177R, S220R.
Identifiers: ClinVar variation 4152825 (VCV004152825.1).

ClinVar aggregate classification (germline): Uncertain significance (1 of 4 stars; one submission).

Conditions:
Hereditary cancer-predisposing syndrome. Also called: Neoplastic Syndromes, Hereditary; Tumor predisposition; Hereditary Cancer Syndrome; Hereditary neoplastic syndrome. Identifiers: Orphanet 140162, MedGen C0027672, MeSH D009386, MONDO:0015356.

Submission:

Ambry Genetics
Classification: Uncertain significance for Hereditary cancer-predisposing syndrome. Last evaluated: 2025-09-12. Review status: criteria provided, single submitter. Criteria: Ambry Variant Classification Scheme 2023. Collection method: clinical testing. Allele origin: germline.
Comment: The p.S220R variant (also known as c.660C>A), located in coding exon 4 of the RET gene, results from a C to A substitution at nucleotide position 660. The serine at codon 220 is replaced by arginine, an amino acid with dissimilar properties. This amino acid position is conserved. In addition, this alteration is predicted to be tolerated by in silico analysis. Based on the available evidence, the clinical significance of this variant remains unclear.